The following is an entry in ClinVar:

NM_001018115.3(FANCD2):c.1910A>G (p.Asn637Ser)

Genes: FANCD2 (FA complementation group D2; plus strand), LOC107303338 (3p25 FANCD2 Alu-mediated recombination region; plus strand). Cytogenetic location: 3p25.3.
Variant type: single nucleotide variant.
Coding change: c.1910A>G on transcript NM_001018115.3 (MANE Select); coding-DNA position 1910, A replaced by G.
Protein change: p.Asn637Ser; replaces asparagine 637 with serine.
Molecular consequence: missense variant.
Genome position (GRCh38, 1-based): chr3:10,063,874, A>G. VCF-style: chr3-10063874-A-G. GRCh37 (hg19) VCF-style: chr3-10105558-A-G.
Other names: c.1910A>G, p.Asn637Ser (NM_001319984.2, NM_001374254.1, NM_033084.6); c.1799A>G, p.Asn600Ser (NM_001374253.1); short protein forms N637S, N600S.
Identifiers: ClinVar variation 2075911 (VCV002075911.1), dbSNP rs775189330, ClinGen allele CA2249866.

ClinVar aggregate classification (germline): Uncertain significance (1 of 4 stars; one submission).

Conditions:
Fanconi anemia (FA). Also called: Fanconi's anemia. Identifiers: Orphanet 84, MedGen C0015625, MeSH D005199, MONDO:0019391.

Allele frequency attached by ClinVar (database versions not stated): TOPMed below 0.00001; ExAC 0.00001; gnomAD 0.00001.

Submission:

Labcorp Genetics (formerly Invitae), Labcorp
Classification: Uncertain significance for Fanconi anemia. Last evaluated: 2021-12-07. Review status: criteria provided, single submitter. Criteria: Invitae Variant Classification Sherloc (09022015). Collection method: clinical testing. Allele origin: germline.
Comment: This sequence change replaces asparagine, which is neutral and polar, with serine, which is neutral and polar, at codon 637 of the FANCD2 protein (p.Asn637Ser). This variant is not present in population databases (gnomAD no frequency). This variant has not been reported in the literature in individuals affected with FANCD2-related conditions. Algorithms developed to predict the effect of missense changes on protein structure and function (SIFT, PolyPhen-2, Align-GVGD) all suggest that this variant is likely to be tolerated. In summary, the available evidence is currently insufficient to determine the role of this variant in disease. Therefore, it has been classified as a Variant of Uncertain Significance.